The following is an entry in ClinVar:

NM_001206927.2(DNAH8):c.4835A>G (p.Asp1612Gly)

Gene: DNAH8 (dynein axonemal heavy chain 8; plus strand). Cytogenetic location: 6p21.2.
Variant type: single nucleotide variant.
Coding change: c.4835A>G on transcript NM_001206927.2 (MANE Select); coding-DNA position 4835, A replaced by G.
Protein change: p.Asp1612Gly; replaces aspartic acid 1612 with glycine.
Molecular consequence: missense variant.
Genome position (GRCh38, 1-based): chr6:38,842,893, A>G. VCF-style: chr6-38842893-A-G. GRCh37 (hg19) VCF-style: chr6-38810669-A-G.
Other names: c.4184A>G, p.Asp1395Gly (NM_001371.4); short protein forms D1612G, D1395G.
Identifiers: ClinVar variation 2991545 (VCV002991545.3), dbSNP rs375356688, ClinGen allele CA3789211.

ClinVar aggregate classification (germline): Uncertain significance (1 of 4 stars; one submission).

Conditions:
Primary ciliary dyskinesia. Also called: Ciliary dyskinesia. Identifiers: Orphanet 244, MedGen C0008780, MONDO:0016575, HP:0012265.

gnomAD v4.1: 3 of 1,613,532 alleles (0.00019%); highest among the groups gnomAD compares: Non-Finnish European, 0.00025%; no homozygotes.

Submission:

Labcorp Genetics (formerly Invitae), Labcorp
Classification: Uncertain significance for Primary ciliary dyskinesia. Last evaluated: 2023-11-13. Review status: criteria provided, single submitter. Criteria: Invitae Variant Classification Sherloc (09022015). Collection method: clinical testing. Allele origin: germline.
Comment: This sequence change replaces aspartic acid, which is acidic and polar, with glycine, which is neutral and non-polar, at codon 1612 of the DNAH8 protein (p.Asp1612Gly). This variant is present in population databases (rs375356688, gnomAD 0.0009%). This variant has not been reported in the literature in individuals affected with DNAH8-related conditions. Advanced modeling of protein sequence and biophysical properties (such as structural, functional, and spatial information, amino acid conservation, physicochemical variation, residue mobility, and thermodynamic stability) performed at Invitae indicates that this missense variant is not expected to disrupt DNAH8 protein function with a negative predictive value of 80%. Algorithms developed to predict the effect of sequence changes on RNA splicing suggest that this variant may disrupt the consensus splice site. In summary, the available evidence is currently insufficient to determine the role of this variant in disease. Therefore, it has been classified as a Variant of Uncertain Significance.